The following is an entry in ClinVar:

NM_012079.6(DGAT1):c.188A>C (p.His63Pro)

Gene: DGAT1 (diacylglycerol O-acyltransferase 1; minus strand). Cytogenetic location: 8q24.3.
Variant type: single nucleotide variant.
Coding change: c.188A>C on transcript NM_012079.6 (MANE Select); coding-DNA position 188, A replaced by C.
Protein change: p.His63Pro; replaces histidine 63 with proline.
Molecular consequence: missense variant.
Genome position (GRCh38, 1-based): chr8:144,326,449, T>G on the plus strand (A>C on the coding strand, the complement: DGAT1 is on the minus strand). VCF-style: chr8-144326449-T-G. GRCh37 (hg19) VCF-style: chr8-145550112-T-G.
Other names: short protein forms H63P.
Identifiers: ClinVar variation 1947896 (VCV001947896.3), dbSNP rs1038824413, ClinGen allele CA187671648.

ClinVar aggregate classification (germline): Uncertain significance (1 of 4 stars; one submission).

gnomAD v4.1: 7 of 1,367,370 alleles (0.00051%); highest among the groups gnomAD compares: African/African-American, 0.0046%; no homozygotes.

Submission:

Labcorp Genetics (formerly Invitae), Labcorp
Classification: Uncertain significance. Last evaluated: 2025-03-05. Review status: criteria provided, single submitter. Criteria: Invitae Variant Classification Sherloc (09022015). Collection method: clinical testing. Allele origin: germline.
Comment: This sequence change replaces histidine, which is basic and polar, with proline, which is neutral and non-polar, at codon 63 of the DGAT1 protein (p.His63Pro). This variant is present in population databases (no rsID available, gnomAD 0.02%). This variant has not been reported in the literature in individuals affected with DGAT1-related conditions. ClinVar contains an entry for this variant (Variation ID: 1947896). Invitae Evidence Modeling of protein sequence and biophysical properties (such as structural, functional, and spatial information, amino acid conservation, physicochemical variation, residue mobility, and thermodynamic stability) indicates that this missense variant is not expected to disrupt DGAT1 protein function with a negative predictive value of 80%. In summary, the available evidence is currently insufficient to determine the role of this variant in disease. Therefore, it has been classified as a Variant of Uncertain Significance.